The following is an entry in ClinVar:

ClinVar aggregate classification (germline): Pathogenic/Likely pathogenic. Review status: criteria provided, multiple submitters, no conflicts (2 of 4 stars). 2 submissions from 2 submitters: Pathogenic (1); Likely pathogenic (1). Last evaluated 2022-03-03.

Conditions:
POU4F3-related disorder. Also called: POU4F3-related condition.
Autosomal dominant nonsyndromic hearing loss 15 (DFNA15). Also called: DEAFNESS, AUTOSOMAL DOMINANT 52; Autosomal dominant nonsyndromic hearing loss 52. Identifiers: Orphanet 90635, MedGen C1865366, MONDO:0011226, OMIM 602459.

Submissions (2):

Blueprint Genetics
Classification: Likely pathogenic for POU4F3-related disorders. Last evaluated: 2022-03-03. Review status: criteria provided, single submitter. Criteria: ACMG Guidelines, 2015. Collection method: clinical testing. Allele origin: germline. Affected: yes. Observed: 1 variant allele.

Precision Medicine Center, Zhengzhou University
Classification: Pathogenic for Autosomal dominant nonsyndromic hearing loss 15. Last evaluated: 2006-06-30. Review status: criteria provided, single submitter. Criteria: ClinGen HL ACMG Specifications v1. Collection method: clinical testing. Allele origin: maternal. Affected: yes.
Comment: PVS1+PM2:The POU4F3 c.710C>A variant is a single nucleotide substitution located in the coding region of POU4F3. This variant is predicted to introduce a premature termination codon (nonsense variant), leading to protein truncation or nonsense-mediated mRNA decay. Loss of function (haploinsufficiency) is an established disease mechanism for POU4F3-related autosomal dominant hearing loss; therefore, this variant meets the PVS1 criterion. The variant is absent or extremely rare in population databases, including gnomAD, supporting its rarity in the general population (PM2). Based on the ACMG/AMP guidelines, this variant meets the criteria PVS1 and PM2, and is therefore classified as Pathogenic.

Literature cited by the submitters: PubMed 30192042 (cited by Precision Medicine Center, Zhengzhou University).

NM_002700.3(POU4F3):c.710C>A (p.Ser237Ter)

Genes: POU4F3 (POU class 4 homeobox 3; plus strand), RBM27-POU4F3 (RBM27-POU4F3 readthrough; plus strand). Cytogenetic location: 5q32.
Variant type: single nucleotide variant.
Coding change: c.710C>A on transcript NM_002700.3 (MANE Select); coding-DNA position 710, C replaced by A.
Protein change: p.Ser237Ter; replaces serine 237 with a stop codon.
Molecular consequence: nonsense. On other transcripts: 3 prime UTR variant (1).
Genome position (GRCh38, 1-based): chr5:146,340,137, C>A. VCF-style: chr5-146340137-C-A. GRCh37 (hg19) VCF-style: chr5-145719700-C-A.
Other names: c.*579C>A (NM_001414499.1); short protein forms S237*.
Identifiers: ClinVar variation 4857384 (VCV004857384.2).